The following is an entry in ClinVar:

ClinVar aggregate classification (germline): Likely benign. Review status: criteria provided, single submitter (1 of 4 stars). 2 submissions from 2 submitters: Likely benign (1). 1 of the submissions does not count toward it. Last evaluated 2026-01-13.

Conditions:
CERS3-related disorder. Also called: CERS3-related condition.

Allele frequency attached by ClinVar (database versions not stated): gnomAD 0.00006; ExAC 0.00007; gnomAD exomes 0.00007; TOPMed 0.00010; ESP Exome Variant Server 0.00015.
gnomAD v4.1: 111 of 1,612,750 alleles (0.0069%); highest among the groups gnomAD compares: Middle Eastern, 0.016%; no homozygotes.

Submissions (2):

Labcorp Genetics (formerly Invitae), Labcorp
Classification: Likely benign. Last evaluated: 2026-01-13. Review status: criteria provided, single submitter. Criteria: Invitae Variant Classification Sherloc (09022015). Collection method: clinical testing. Allele origin: germline.

PreventionGenetics, part of Exact Sciences
Classification: Likely benign for CERS3-related condition. Last evaluated: 2022-07-06. Review status: no assertion criteria provided. Collection method: clinical testing. Allele origin: germline. Not counted in ClinVar's aggregate classification.
Comment: This variant is classified as likely benign based on ACMG/AMP sequence variant interpretation guidelines (Richards et al. 2015 PMID: 25741868, with internal and published modifications).

NM_001378789.1(CERS3):c.885C>T (p.Leu295=)

Gene: CERS3 (ceramide synthase 3; minus strand). Cytogenetic location: 15q26.3.
Variant type: single nucleotide variant.
Coding change: c.885C>T on transcript NM_001378789.1 (MANE Select); coding-DNA position 885, C replaced by T.
Protein change: p.Leu295=; no amino-acid change (leucine 295 retained).
Molecular consequence: synonymous variant.
Genome position (GRCh38, 1-based): chr15:100,456,007, G>A on the plus strand (C>T on the coding strand, the complement: CERS3 is on the minus strand). VCF-style: chr15-100456007-G-A. GRCh37 (hg19) VCF-style: chr15-100996212-G-A.
Other names: c.918C>T, p.Leu306= (NM_001290341.2); c.885C>T, p.Leu295= (NM_001290342.2, NM_001290343.2, NM_178842.5).
Identifiers: ClinVar variation 3030926 (VCV003030926.3), dbSNP rs149637953, ClinGen allele CA7758887.